The following is an entry in ClinVar:

NC_000001.10:g.(?_119683158)_(119683267_?)dup

Gene: WARS2 (tryptophanyl tRNA synthetase 2, mitochondrial; minus strand). Cytogenetic location: 1p12.
Variant type: Duplication.
Identifiers: ClinVar variation 3247994 (VCV003247994.1).

ClinVar aggregate classification (germline): Uncertain significance (1 of 4 stars; one submission).

Submission:

Labcorp Genetics (formerly Invitae), Labcorp
Classification: Uncertain significance. Last evaluated: 2023-06-29. Review status: criteria provided, single submitter. Criteria: Invitae Variant Classification Sherloc (09022015). Collection method: clinical testing. Allele origin: unknown.
Comment: This variant has not been reported in the literature in individuals affected with WARS2-related conditions. This variant results in a copy number gain of the genomic region encompassing exon(s) 1 of the WARS2 gene. This region includes the initiator codon of the gene. This copy number gain extends beyond the assayed region for this gene and therefore may encompass additional genes. As the precise location of this event is unknown, it may be in tandem or it may be located elsewhere in the genome. In summary, the available evidence is currently insufficient to determine the role of this variant in disease. Therefore, it has been classified as a Variant of Uncertain Significance.